The following is an entry in ClinVar:

GRCh37/hg19 4p15.32(chr4:15613881-15659599)x3

Gene: FBXL5 (F-box and leucine rich repeat protein 5; minus strand). Cytogenetic location: 4p15.32.
Variant type: copy number gain.
Change: copy number 3 (three copies instead of two) of chr4:15,613,881-15,659,599 (45.7 kb, GRCh37 coordinates, 1-based), cytogenetic band 4p15.32.
Identifiers: ClinVar variation 395095 (VCV000395095.3).

ClinVar aggregate classification (germline): Benign/Likely benign (0 of 4 stars; one submission).

Submission:

ISCA Site 6
Classification: Benign/Likely benign. Review status: no assertion criteria provided. Collection method: clinical testing. Allele origin: unknown. Affected: yes. Observed: 6 variant alleles. Clinical features observed: Developmental delay AND/OR other significant developmental or morphological phenotypes.
Comment: Likely benign (2), Benign (4)

Copy number variation identified through the course of routine clinical cytogenomic testing in postnatal populations, with clinical assertions as classified by the original submitter. For data from the original published study, Kaminsky, et al. 2011 (PubMed 21844811), please see nstd101.